The following is an entry in ClinVar:

ClinVar aggregate classification (germline): Uncertain significance (1 of 4 stars; one submission).

Allele frequency attached by ClinVar (database versions not stated): gnomAD exomes below 0.00001 and 0.00002; gnomAD 0.00001; TOPMed 0.00001.

Submission:

Labcorp Genetics (formerly Invitae), Labcorp
Classification: Uncertain significance. Last evaluated: 2023-03-10. Review status: criteria provided, single submitter. Criteria: Invitae Variant Classification Sherloc (09022015). Collection method: clinical testing. Allele origin: germline.
Comment: In summary, the available evidence is currently insufficient to determine the role of this variant in disease. Therefore, it has been classified as a Variant of Uncertain Significance. Algorithms developed to predict the effect of missense changes on protein structure and function output the following: SIFT: "Not Available"; PolyPhen-2: "Benign"; Align-GVGD: "Not Available". The serine amino acid residue is found in multiple mammalian species, which suggests that this missense change does not adversely affect protein function. ClinVar contains an entry for this variant (Variation ID: 841801). This variant has not been reported in the literature in individuals affected with PRDM13-related conditions. This variant is present in population databases (rs769434984, gnomAD 0.009%). This sequence change replaces proline, which is neutral and non-polar, with serine, which is neutral and polar, at codon 548 of the PRDM13 protein (p.Pro548Ser).

NM_021620.4(PRDM13):c.1642C>T (p.Pro548Ser)

Gene: PRDM13 (PR/SET domain 13; plus strand). Cytogenetic location: 6q16.2.
Variant type: single nucleotide variant.
Coding change: c.1642C>T on transcript NM_021620.4 (MANE Select); coding-DNA position 1642, C replaced by T.
Protein change: p.Pro548Ser; replaces proline 548 with serine.
Molecular consequence: missense variant.
Genome position (GRCh38, 1-based): chr6:99,614,277, C>T. VCF-style: chr6-99614277-C-T. GRCh37 (hg19) VCF-style: chr6-100062153-C-T.
Other names: short protein forms P548S.
Identifiers: ClinVar variation 841801 (VCV000841801.9), dbSNP rs769434984, ClinGen allele CA3936423.